The following is an entry in ClinVar:

NM_000901.5(NR3C2):c.2015-1G>A

Gene: NR3C2 (nuclear receptor subfamily 3 group C member 2; minus strand). Cytogenetic location: 4q31.23.
Variant type: single nucleotide variant.
Coding change: c.2015-1G>A on transcript NM_000901.5 (MANE Select); the canonical splice acceptor site of the intron before coding-DNA position 2015, G replaced by A.
Molecular consequence: splice acceptor variant. On other transcripts: intron variant (2).
Genome position (GRCh38, 1-based): chr4:148,154,902, C>T on the plus strand (G>A on the coding strand, the complement: NR3C2 is on the minus strand). VCF-style: chr4-148154902-C-T. GRCh37 (hg19) VCF-style: chr4-149076053-C-T.
Other names: c.2015-2289G>A (NM_001354819.1, NM_001166104.2).
Identifiers: ClinVar variation 3653624 (VCV003653624.2).

ClinVar aggregate classification (germline): Likely pathogenic (1 of 4 stars; one submission).

Submission:

Labcorp Genetics (formerly Invitae), Labcorp
Classification: Likely pathogenic. Last evaluated: 2025-12-20. Review status: criteria provided, single submitter. Criteria: Invitae Variant Classification Sherloc (09022015). Collection method: clinical testing. Allele origin: germline.
Comment: This sequence change affects an acceptor splice site in intron 4 of the NR3C2 gene. It is expected to disrupt RNA splicing. Variants that disrupt the donor or acceptor splice site typically lead to a loss of protein function (PMID: 16199547), and loss-of-function variants in NR3C2 are known to be pathogenic (PMID: 9662404, 16611713, 16972228). This variant is not present in population databases (gnomAD no frequency). This variant has not been reported in the literature in individuals affected with NR3C2-related conditions. ClinVar contains an entry for this variant (Variation ID: 3653624). Algorithms developed to predict the effect of sequence changes on RNA splicing suggest that this variant may disrupt the consensus splice site. In summary, the currently available evidence indicates that the variant is pathogenic, but additional data are needed to prove that conclusively. Therefore, this variant has been classified as Likely Pathogenic.

Literature cited by the submitters: PubMed 16199547; PubMed 9662404; PubMed 16611713; PubMed 16972228.